The following is an entry in ClinVar:

NM_004628.5(XPC):c.2537G>C (p.Gly846Ala)

Gene: XPC (XPC complex subunit, DNA damage recognition and repair factor; minus strand). Cytogenetic location: 3p25.1.
Variant type: single nucleotide variant.
Coding change: c.2537G>C on transcript NM_004628.5 (MANE Select); coding-DNA position 2537, G replaced by C.
Protein change: p.Gly846Ala; replaces glycine 846 with alanine.
Molecular consequence: missense variant. On other transcripts: non-coding transcript variant (2).
Genome position (GRCh38, 1-based): chr3:14,147,357, C>G on the plus strand (G>C on the coding strand, the complement: XPC is on the minus strand). VCF-style: chr3-14147357-C-G. GRCh37 (hg19) VCF-style: chr3-14188857-C-G.
Other names: c.1958G>C, p.Gly653Ala (NM_001354726.2); c.2531G>C, p.Gly844Ala (NM_001354727.2); c.2519G>C, p.Gly840Ala (NM_001354729.2); c.2291G>C, p.Gly764Ala (NM_001354730.2); short protein forms G846A, G653A, G764A, G844A, G840A.
Identifiers: ClinVar variation 135471 (VCV000135471.3), dbSNP rs55779831, ClinGen allele CA162871.
Genomic context (GRCh38, chr3:14,147,357, plus strand): 5'-CCGTAGCGACGCTTCAGCCTCTCCCTGATGAGCAGACCTTTGGCCAGCAACTTCCAGTTC[C>G]CTAGAGCCCGCTTCTCCTTTTTCTGCAGGCAAAAATGAAGTGGGAGAAAAGTGTTAAGCA-3'
Protein context (NP_004619.3, residues 836-856): EKEKKEKRAL[Gly846Ala]NWKLLAKGLL

ClinVar aggregate classification (germline): Uncertain significance. Review status: criteria provided, single submitter (1 of 4 stars). 3 submissions from 3 submitters: Uncertain significance (1). 2 of the submissions do not count toward it. Last evaluated 2022-02-04.

Conditions:
Xeroderma pigmentosum, group C (XPC). Also called: XPC-Related Xeroderma Pigmentosum; Xeroderma pigmentosum, complementation group C; XERODERMA PIGMENTOSUM III; XP, GROUP C. Identifiers: Orphanet 910, MedGen C2752147, MONDO:0010211, OMIM 278720.

Allele frequency attached by ClinVar (database versions not stated): TOPMed below 0.00001; gnomAD 0.00001.
gnomAD v4.1: 52 of 1,610,878 alleles (0.0032%); highest among the groups gnomAD compares: East Asian, 0.11%; no homozygotes.

Submissions (3):

Fulgent Genetics
Classification: Uncertain significance for Xeroderma pigmentosum, group C. Last evaluated: 2022-02-04. Review status: criteria provided, single submitter. Criteria: ACMG Guidelines, 2015. Collection method: clinical testing. Allele origin: unknown.

Counsyl
Classification: Uncertain significance for Xeroderma pigmentosum, group C. Last evaluated: 2017-12-13. Review status: no assertion criteria provided. Collection method: clinical testing. Allele origin: unknown. Not counted in ClinVar's aggregate classification.

ITMI
No classification provided. Condition: AllHighlyPenetrant. Last evaluated: 2013-09-19. Review status: no classification provided. Collection method: reference population. Allele origin: germline. Not counted in ClinVar's aggregate classification.
Comment: Please see associated publication for description of ethnicities

Literature cited by the submitters: PubMed 24728327 (cited by ITMI).